The following is an entry in ClinVar:

ClinVar aggregate classification (germline): Likely benign (0 of 4 stars; one submission).

Conditions:
FARSB-related disorder. Also called: FARSB-related condition.

Submission:

PreventionGenetics, part of Exact Sciences
Classification: Likely benign for FARSB-related condition. Last evaluated: 2020-12-11. Review status: no assertion criteria provided. Collection method: clinical testing. Allele origin: germline.
Comment: This variant is classified as likely benign based on ACMG/AMP sequence variant interpretation guidelines (Richards et al. 2015 PMID: 25741868, with internal and published modifications).

NM_005687.5(FARSB):c.6G>A (p.Pro2=)

Gene: FARSB (phenylalanyl-tRNA synthetase subunit beta; minus strand). Cytogenetic location: 2q36.1.
Variant type: single nucleotide variant.
Coding change: c.6G>A on transcript NM_005687.5 (MANE Select); coding-DNA position 6, G replaced by A.
Protein change: p.Pro2=; no amino-acid change (proline 2 retained).
Molecular consequence: synonymous variant. On other transcripts: non-coding transcript variant (1).
Genome position (GRCh38, 1-based): chr2:222,656,068, C>T on the plus strand (G>A on the coding strand, the complement: FARSB is on the minus strand). VCF-style: chr2-222656068-C-T. GRCh37 (hg19) VCF-style: chr2-223520787-C-T.
Identifiers: ClinVar variation 3030066 (VCV003030066.2), dbSNP rs750806415, ClinGen allele CA431477797.